The following is an entry in ClinVar:

NM_001754.5(RUNX1):c.*467T>C

Gene: RUNX1 (RUNX family transcription factor 1; minus strand). Cytogenetic location: 21q22.12.
Variant type: single nucleotide variant.
Coding change: c.*467T>C on transcript NM_001754.5 (MANE Select); 467 bases downstream of the stop codon, T replaced by C.
Molecular consequence: 3 prime UTR variant.
Genome position (GRCh38, 1-based): chr21:34,791,668, A>G on the plus strand (T>C on the coding strand, the complement: RUNX1 is on the minus strand). VCF-style: chr21-34791668-A-G. GRCh37 (hg19) VCF-style: chr21-36163965-A-G.
Other names: c.*467T>C (NM_001001890.3).
Identifiers: ClinVar variation 897695 (VCV000897695.5), dbSNP rs2056436218, ClinGen allele CA1139666833.
Genomic context (GRCh38, chr21:34,791,668, plus strand): 5'-CAAATACGCATTTTGCAATTGATAAGGTGCGGAAAAATTAAAAATAAGAATTAGATGCCA[A>G]ACAGGGCGAGTTGCATCCCTCCTCTCCCCCCACCCCAACCAAAATTCCACACTCTTTGGA-3'

ClinVar aggregate classification (germline): Uncertain significance. Review status: reviewed by expert panel (3 of 4 stars). 2 submissions from 2 submitters: Uncertain significance (1). 1 of the submissions does not count toward it. Last evaluated 2024-11-13.

Conditions:
Hereditary thrombocytopenia and hematologic cancer predisposition syndrome. Identifiers: Orphanet 71290, MedGen CN281654, MONDO:0011071.
Hereditary thrombocytopenia and hematological cancer predisposition syndrome associated with RUNX1. Also called: PLATELET DISORDER, ASPIRIN-LIKE; RUNX1 Familial Platelet Disorder with Associated Myeloid Malignancies; Familial Platelet Disorder with Propensity to Acute Myelogenous Leukemia; Familial thrombocytopenia with propensity to acute myelogenous leukemia. Identifiers: Orphanet 71290, MedGen C1832388, MeSH C563324, MONDO:0100083, OMIM 601399.

Allele frequency attached by ClinVar (database versions not stated): TOPMed below 0.00001; gnomAD 0.00001.

Submissions (2):

ClinGen Myeloid Malignancy Variant Curation Expert Panel
Classification: Uncertain significance for Hereditary thrombocytopenia and hematologic cancer predisposition syndrome. Last evaluated: 2024-11-13. Review status: reviewed by expert panel. Criteria: ClinGen MyeloMalig ACMG Specifications v2. Collection method: curation. Allele origin: germline. Inheritance: Autosomal dominant inheritance.
Comment: NM_001754.5(RUNX1):c.*467T>C is a 3' UTR variant which does not meet any ACMG/AMP criteria. In summary, the clinical significance of this variant is uncertain. ACMG/AMP criteria applied, as specified by the Myeloid Malignancy Variant Curation Expert Panel for RUNX1: None.

Illumina Laboratory Services, Illumina
Classification: Uncertain significance for Hereditary thrombocytopenia and hematological cancer predisposition syndrome associated with RUNX1. Last evaluated: 2018-01-13. Review status: criteria provided, single submitter. Criteria: ICSL Variant Classification Criteria 13 December 2019. Collection method: clinical testing. Allele origin: germline. Not counted in ClinVar's aggregate classification.